The following is an entry in ClinVar:

ClinVar aggregate classification (germline): Benign/Likely benign. Review status: criteria provided, multiple submitters, no conflicts (2 of 4 stars). 3 submissions from 3 submitters: Benign (1); Likely benign (2). Last evaluated 2025-08-24.

Conditions:
Hereditary cancer-predisposing syndrome. Also called: Tumor predisposition; Hereditary Cancer Syndrome; Neoplastic Syndromes, Hereditary; Hereditary neoplastic syndrome. Identifiers: Orphanet 140162, MedGen C0027672, MeSH D009386, MONDO:0015356.
Tuberous sclerosis 2 (TSC2). Identifiers: Orphanet 805, MedGen C1860707, MONDO:0013199, OMIM 613254.

Submissions (3):

Labcorp Genetics (formerly Invitae), Labcorp
Classification: Likely benign for Tuberous sclerosis 2. Last evaluated: 2025-08-24. Review status: criteria provided, single submitter. Criteria: Invitae Variant Classification Sherloc (09022015). Collection method: clinical testing. Allele origin: germline.

Myriad Genetics, Inc.
Classification: Benign for Tuberous sclerosis 2. Last evaluated: 2025-05-16. Review status: criteria provided, single submitter. Criteria: Myriad Autosomal Dominant, Autosomal Recessive and X-Linked Classification Criteria (2023). Collection method: clinical testing. Allele origin: unknown.
Comment: This variant is considered benign. This variant is a silent/synonymous amino acid change and it is not expected to impact splicing.

Ambry Genetics
Classification: Likely benign for Hereditary cancer-predisposing syndrome. Last evaluated: 2023-12-07. Review status: criteria provided, single submitter. Criteria: Ambry Variant Classification Scheme 2023. Collection method: clinical testing. Allele origin: germline.

NM_000548.5(TSC2):c.2040G>T (p.Arg680=)

Gene: TSC2 (TSC complex subunit 2; plus strand). Cytogenetic location: 16p13.3.
Variant type: single nucleotide variant.
Coding change: c.2040G>T on transcript NM_000548.5 (MANE Select); coding-DNA position 2040, G replaced by T.
Protein change: p.Arg680=; no amino-acid change (arginine 680 retained).
Molecular consequence: synonymous variant.
Genome position (GRCh38, 1-based): chr16:2,071,877, G>T. VCF-style: chr16-2071877-G-T. GRCh37 (hg19) VCF-style: chr16-2121878-G-T.
Other names: c.2040G>T, p.Arg680= (NM_001077183.3, NM_001114382.3, NM_001363528.2 and 3 more transcripts); c.1929G>T, p.Arg643= (NM_001318827.2); c.1893G>T, p.Arg631= (NM_001318829.2); c.1440G>T, p.Arg480= (NM_001318831.2); c.2073G>T, p.Arg691= (NM_001318832.2).
Identifiers: ClinVar variation 759268 (VCV000759268.11), dbSNP rs1596344740, ClinGen allele CA493042605.
Genomic context (GRCh38, chr16:2,071,877, plus strand): 5'-CGGCCCCCTTTCTCCTCCCACAGGGCCTCCTGGCCCGGCGCCTGCAGGCCCCGCCGTGCG[G>T]CTGGGGTCCGTGCCCTACTCCCTGCTCTTCCGCGTCCTGCTGCAGTGCTTGAAGCAGGTG-3'
Protein context (NP_000539.2, residues 670-690): PGPAPAGPAV[Arg680=]LGSVPYSLLF